The following is an entry in ClinVar:

NM_024757.5(EHMT1):c.3342delinsAAG (p.Asn1114fs)

Gene: EHMT1 (euchromatic histone lysine methyltransferase 1; plus strand). Cytogenetic location: 9q34.3.
Variant type: Indel.
Coding change: c.3342delinsAAG on transcript NM_024757.5 (MANE Select); coding-DNA position 3342, C replaced by AAG.
Protein change: p.Asn1114fs; shifts the reading frame from asparagine 1114.
Molecular consequence: frameshift variant.
Genome position (GRCh38, 1-based): chr9:137,816,030, C replaced by AAG. VCF-style: chr9-137816030-C-AAG. GRCh37 (hg19) VCF-style: chr9-140710482-C-AAG.
Other names: c.3321delinsAAG, p.Asn1107fs (NM_001354263.2); short protein forms N1114fs, N1107fs.
Identifiers: ClinVar variation 280200 (VCV000280200.2), dbSNP rs886041450, ClinGen allele CA10603189.

ClinVar aggregate classification (germline): Pathogenic (1 of 4 stars; one submission).

Submission:

GeneDx
Classification: Pathogenic. Last evaluated: 2015-12-27. Review status: criteria provided, single submitter. Criteria: GeneDx Variant Classification (06012015). Collection method: clinical testing. Allele origin: germline. Affected: yes.
Comment: The c.3342delCinsAAG pathogenic variant in the EHMT1 gene has not been reported previously as a pathogenic variant nor as a benign variant, to our knowledge. The c.3342delCinsAAG variant causes a frameshift starting with codon Asparagine 1114, changes this amino acid to a Lysine residue, and creates a premature Stop codon at position 47 of the new reading frame, denoted p.Asn1114LysfsX47. This variant is predicted to cause loss of normal protein function either through protein truncation or nonsense-mediated mRNA decay. The c.3342delCinsAAG variant was not observed in approximately 6500 individuals of European and African American ancestry in the NHLBI Exome Sequencing Project, indicating it is not a common benign variant in these populations. A protein truncating pathogenic variant downstream of this variant has been reported in the Human Gene Mutation Database in association with EHMT1-related disorders (Stenson et al., 2014), supporting the pathogenicity of more upstream truncating variants. We interpret c.3342delCinsAAG as a pathogenic variant.